The following is an entry in ClinVar:

ClinVar aggregate classification (germline): Uncertain significance. Review status: criteria provided, single submitter (1 of 4 stars). 2 submissions from 2 submitters: Uncertain significance (1). 1 of the submissions does not count toward it. Last evaluated 2020-01-31.

Conditions:
Bloom syndrome (BLM). Also called: Bloom-Torre-Machacek syndrome. Identifiers: Orphanet 125, MedGen C0005859, MONDO:0008876, OMIM 210900.

Submissions (2):

Labcorp Genetics (formerly Invitae), Labcorp
Classification: Uncertain significance for Bloom syndrome. Last evaluated: 2020-01-31. Review status: criteria provided, single submitter. Criteria: Invitae Variant Classification Sherloc (09022015). Collection method: clinical testing. Allele origin: germline.
Comment: In summary, the available evidence is currently insufficient to determine the role of this variant in disease. Therefore, it has been classified as a Variant of Uncertain Significance. Algorithms developed to predict the effect of missense changes on protein structure and function (SIFT, PolyPhen-2, Align-GVGD) all suggest that this variant is likely to be tolerated, but these predictions have not been confirmed by published functional studies and their clinical significance is uncertain. This variant has not been reported in the literature in individuals with BLM-related conditions. This variant is not present in population databases (ExAC no frequency). This sequence change replaces histidine with arginine at codon 660 of the BLM protein (p.His660Arg). The histidine residue is moderately conserved and there is a small physicochemical difference between histidine and arginine.

Natera, Inc.
Classification: Uncertain significance for Bloom syndrome. Last evaluated: 2020-05-25. Review status: no assertion criteria provided. Collection method: clinical testing. Allele origin: germline. Not counted in ClinVar's aggregate classification.

NM_000057.4(BLM):c.1979A>G (p.His660Arg)

Gene: BLM (BLM RecQ like helicase; plus strand). Cytogenetic location: 15q26.1.
Variant type: single nucleotide variant.
Coding change: c.1979A>G on transcript NM_000057.4 (MANE Select); coding-DNA position 1979, A replaced by G.
Protein change: p.His660Arg; replaces histidine 660 with arginine.
Molecular consequence: missense variant.
Genome position (GRCh38, 1-based): chr15:90,763,062, A>G. VCF-style: chr15-90763062-A-G. GRCh37 (hg19) VCF-style: chr15-91306292-A-G.
Other names: c.1979A>G, p.His660Arg (NM_001287246.2, NM_001287247.2); c.854A>G, p.His285Arg (NM_001287248.2); short protein forms H285R, H660R.
Identifiers: ClinVar variation 940318 (VCV000940318.13), dbSNP rs1896029572, ClinGen allele CA393844278.